The following is an entry in ClinVar:

NM_004415.4(DSP):c.48C>T (p.Arg16=)

Genes: DSP (desmoplakin; plus strand), DSP-AS1 (DSP antisense RNA 1; minus strand). Cytogenetic location: 6p24.3.
Variant type: single nucleotide variant.
Coding change: c.48C>T on transcript NM_004415.4 (MANE Select); coding-DNA position 48, C replaced by T.
Protein change: p.Arg16=; no amino-acid change (arginine 16 retained).
Molecular consequence: synonymous variant.
Genome position (GRCh38, 1-based): chr6:7,541,963, C>T. VCF-style: chr6-7541963-C-T. GRCh37 (hg19) VCF-style: chr6-7542196-C-T.
Other names: c.48C>T, p.Arg16= (NM_001008844.3, NM_001319034.2, NM_001406591.1).
Identifiers: ClinVar variation 5040040 (VCV005040040.1).

ClinVar aggregate classification (germline): Likely benign (1 of 4 stars; one submission).

gnomAD v4.1: 1 of 1,608,174 alleles (0.000062%); highest among the groups gnomAD compares: Admixed American, 0.0017%; no homozygotes.

Submission:

CeGaT Center for Human Genetics Tuebingen
Classification: Likely benign. Last evaluated: 2026-07-01. Review status: criteria provided, single submitter. Criteria: CeGaT Center For Human Genetics Tuebingen Variant Classification Criteria Version 2. Collection method: clinical testing. Allele origin: germline. Affected: yes. Observed: 1 variant allele.
Comment: DSP: BP4, BP7